The following is an entry in ClinVar:

ClinVar aggregate classification (germline): Uncertain significance (1 of 4 stars; one submission).

Submission:

Women's Health and Genetics/Laboratory Corporation of America, LabCorp
Classification: Uncertain significance. Last evaluated: 2024-11-06. Review status: criteria provided, single submitter. Criteria: LabCorp Variant Classification Summary - May 2015. Collection method: clinical testing. Allele origin: germline.
Comment: Variant summary: CDH23 c.3821A>T (p.Glu1274Val) results in a non-conservative amino acid change in the encoded protein sequence. Four of four in-silico tools predict a damaging effect of the variant on protein function. The variant was absent in 249258 control chromosomes. c.3821A>T has been reported in the literature in a homozygous individual affected with Usher Syndrome (example: Bonnet_2016). These data indicate that the variant may be associated with disease. To our knowledge, no experimental evidence demonstrating an impact on protein function has been reported. The following publication has been ascertained in the context of this evaluation (PMID: 27460420). No submitters have cited clinical-significance assessments for this variant to ClinVar. Based on the evidence outlined above, the variant was classified as VUS-possibly pathogenic.

Literature cited by the submitters: PubMed 27460420.

NM_022124.6(CDH23):c.3821A>T (p.Glu1274Val)

Genes: C10orf105 (chromosome 10 open reading frame 105; minus strand), CDH23 (cadherin related 23; plus strand). Cytogenetic location: 10q22.1.
Variant type: single nucleotide variant.
Coding change: c.3821A>T on transcript NM_022124.6 (MANE Select); coding-DNA position 3821, A replaced by T.
Protein change: p.Glu1274Val; replaces glutamic acid 1274 with valine.
Molecular consequence: missense variant. On other transcripts: intron variant (1).
Genome position (GRCh38, 1-based): chr10:71,732,092, A>T. VCF-style: chr10-71732092-A-T. GRCh37 (hg19) VCF-style: chr10-73491849-A-T.
Other names: c.3821A>T, p.Glu1274Val (NM_001171930.2); c.-6+5636T>A (NM_001168390.2); short protein forms E1274V.
Identifiers: ClinVar variation 3629790 (VCV003629790.1).